The following is an entry in ClinVar:

NM_144599.5(NIPA1):c.*2425A>G

Gene: NIPA1 (NIPA magnesium transporter 1; plus strand). Cytogenetic location: 15q11.2.
Variant type: single nucleotide variant.
Coding change: c.*2425A>G on transcript NM_144599.5 (MANE Select); 2425 bases downstream of the stop codon, A replaced by G.
Molecular consequence: 3 prime UTR variant.
Genome position (GRCh38, 1-based): chr15:22,826,664, A>G. VCF-style: chr15-22826664-A-G. GRCh37 (hg19) VCF-style: chr15-23046404-T-C.
Other names: c.*2425A>G (NM_001142275.1).
Identifiers: ClinVar variation 315378 (VCV000315378.6), dbSNP rs12902722, ClinGen allele CA10635698.

ClinVar aggregate classification (germline): Benign. Review status: criteria provided, multiple submitters, no conflicts (2 of 4 stars). 2 submissions from 2 submitters: Benign (2). Last evaluated 2018-01-12.

Conditions:
Hereditary spastic paraplegia 6 (SPG6). Also called: SPASTIC PARAPLEGIA 6, AUTOSOMAL DOMINANT. Identifiers: Orphanet 100988, MedGen C1838192, MONDO:0010878, OMIM 600363.

Allele frequency attached by ClinVar (database versions not stated): gnomAD 0.10277 and 0.11006; TOPMed 0.11589; 1000 Genomes Project 30x 0.15725; 1000 Genomes Project 0.16474.

Submissions (2):

Illumina Laboratory Services, Illumina
Classification: Benign for Hereditary spastic paraplegia 6. Last evaluated: 2018-01-12. Review status: criteria provided, single submitter. Criteria: ICSL Variant Classification Criteria 13 December 2019. Collection method: clinical testing. Allele origin: germline.
Comment: This variant was observed in the ICSL laboratory as part of a predisposition screen in an ostensibly healthy population. It had not been previously curated by ICSL or reported in the Human Gene Mutation Database (HGMD: prior to June 1st, 2018), and was therefore a candidate for classification through an automated scoring system. Utilizing variant allele frequency, disease prevalence and penetrance estimates, and inheritance mode, an automated score was calculated to assess if this variant is too frequent to cause the disease. Based on the score and internal cut-off values, a variant classified as benign is not then subjected to further curation. The score for this variant resulted in a classification of benign for this disease.

Breakthrough Genomics
Classification: Benign. Review status: criteria provided, single submitter. Criteria: ACMG Guidelines, 2015. Collection method: not provided. Allele origin: germline. Inheritance: Autosomal dominant inheritance. Affected: yes.